The following is an entry in ClinVar:

ClinVar aggregate classification (germline): Uncertain significance (1 of 4 stars; one submission).

Submission:

Ambry Genetics
Classification: Uncertain significance. Last evaluated: 2023-07-30. Review status: criteria provided, single submitter. Criteria: Ambry Variant Classification Scheme 2023. Collection method: clinical testing. Allele origin: germline.
Comment: The p.D296G variant (also known as c.887A>G), located in coding exon 3 of the TERF2IP gene, results from an A to G substitution at nucleotide position 887. The aspartic acid at codon 296 is replaced by glycine, an amino acid with similar properties. This amino acid position is conserved. In addition, this alteration is predicted to be tolerated by in silico analysis. Since supporting evidence is limited at this time, the clinical significance of this alteration remains unclear.

NM_018975.4(TERF2IP):c.887A>G (p.Asp296Gly)

Gene: TERF2IP (TERF2 interacting protein; plus strand). Cytogenetic location: 16q23.1.
Variant type: single nucleotide variant.
Coding change: c.887A>G on transcript NM_018975.4 (MANE Select); coding-DNA position 887, A replaced by G.
Protein change: p.Asp296Gly; replaces aspartic acid 296 with glycine.
Molecular consequence: missense variant. On other transcripts: non-coding transcript variant (1).
Genome position (GRCh38, 1-based): chr16:75,656,298, A>G. VCF-style: chr16-75656298-A-G. GRCh37 (hg19) VCF-style: chr16-75690196-A-G.
Other names: short protein forms D296G.
Identifiers: ClinVar variation 2623146 (VCV002623146.2), dbSNP rs2507089316, ClinGen allele CA396819799.
Genomic context (GRCh38, chr16:75,656,298, plus strand): 5'-ATATAACTATGTGTGATGATGATCCACCCACACCTGAGGAAGACTCAGAAACACAGCCTG[A>G]TGAGGAGGAAGAAGAAGAAGAAGAAAAAGTTTCTCAACCAGAGGTGGGAGCTGCCATTAA-3'
Protein context (NP_061848.2, residues 286-306): TPEEDSETQP[Asp296Gly]EEEEEEEEKV